The following is an entry in ClinVar:

NM_006662.3(SRCAP):c.7489_7491del (p.Pro2497del)

Gene: SRCAP (Snf2 related CREBBP activator protein; plus strand). Cytogenetic location: 16p11.2.
Variant type: Deletion.
Coding change: c.7489_7491del on transcript NM_006662.3 (MANE Select); coding-DNA positions 7489 to 7491, 3 bases deleted (CCT; older notation c.7489_7491delCCT).
Protein change: p.Pro2497del; deletes proline 2497.
Molecular consequence: inframe deletion.
Genome position (GRCh38, 1-based): chr16:30,737,529-30,737,531, CCT deleted; deleting any 3 consecutive bases within chr16:30,737,527-30,737,531 gives the same sequence; the c. name uses the placement nearest the transcript's 3' end. VCF-style (leftmost placement, unchanged base first): chr16-30737526-TCTC-T. GRCh37 (hg19) VCF-style: chr16-30748847-TCTC-T.
Other names: short protein forms P2497del.
Identifiers: ClinVar variation 1384587 (VCV001384587.8), dbSNP rs1228928979, ClinGen allele CA719894732.

ClinVar aggregate classification (germline): Uncertain significance (1 of 4 stars; one submission).

Submission:

Labcorp Genetics (formerly Invitae), Labcorp
Classification: Uncertain significance. Last evaluated: 2023-11-20. Review status: criteria provided, single submitter. Criteria: Invitae Variant Classification Sherloc (09022015). Collection method: clinical testing. Allele origin: germline.
Comment: This variant, c.7489_7491del, results in the deletion of 1 amino acid(s) of the SRCAP protein (p.Pro2497del), but otherwise preserves the integrity of the reading frame. This variant is not present in population databases (gnomAD no frequency). This variant has not been reported in the literature in individuals affected with SRCAP-related conditions. ClinVar contains an entry for this variant (Variation ID: 1384587). Experimental studies and prediction algorithms are not available or were not evaluated, and the functional significance of this variant is currently unknown. In summary, the available evidence is currently insufficient to determine the role of this variant in disease. Therefore, it has been classified as a Variant of Uncertain Significance.